The following is an entry in ClinVar:

ClinVar aggregate classification (germline): Likely benign (1 of 4 stars; one submission).

Allele frequency attached by ClinVar (database versions not stated): ExAC 0.00001; gnomAD exomes 0.00001.
gnomAD v4.1: 10 of 1,211,232 alleles (0.00083%); highest among the groups gnomAD compares: Non-Finnish European, 0.0011%; no homozygotes.

Submission:

CeGaT Center for Human Genetics Tuebingen
Classification: Likely benign. Last evaluated: 2023-08-01. Review status: criteria provided, single submitter. Criteria: CeGaT Center For Human Genetics Tuebingen Variant Classification Criteria Version 2. Collection method: clinical testing. Allele origin: germline. Affected: yes. Observed: 1 variant allele.
Comment: FRMPD4: BP4

NM_001368397.1(FRMPD4):c.3398C>G (p.Ala1133Gly)

Gene: FRMPD4 (FERM and PDZ domain containing 4; plus strand). Cytogenetic location: Xp22.2.
Variant type: single nucleotide variant.
Coding change: c.3398C>G on transcript NM_001368397.1 (MANE Select); coding-DNA position 3398, C replaced by G.
Protein change: p.Ala1133Gly; replaces alanine 1133 with glycine.
Molecular consequence: missense variant.
Genome position (GRCh38, 1-based): chrX:12,718,224, C>G. VCF-style: chrX-12718224-C-G. GRCh37 (hg19) VCF-style: chrX-12736343-C-G.
Other names: c.3509C>G, p.Ala1170Gly (NM_001368395.3, NM_001368398.3); c.3404C>G, p.Ala1135Gly (NM_001368396.3); c.3389C>G, p.Ala1130Gly (NM_001368399.3); c.3278C>G, p.Ala1093Gly (NM_001368400.3); c.3374C>G, p.Ala1125Gly (NM_001368401.1, NM_001368402.3); c.3398C>G, p.Ala1133Gly (NM_014728.3); short protein forms A1093G, A1125G, A1130G, A1133G, A1135G, A1170G.
Identifiers: ClinVar variation 2660011 (VCV002660011.24), dbSNP rs747284722, ClinGen allele CA10349594.
Genomic context (GRCh38, chrX:12,718,224, plus strand): 5'-AAACCTTTCCAAGAGCTTCTGGTCTTGGGGCAAGGGAGGCCGAAGGGAAGGAAGAAGGAG[C>G]TCCTGATGGAGAAACCAGTGATGGCTCAGGACTTGGTCAAGGGGACCGCTTCTTAACTGA-3'
Protein context (NP_001355326.1, residues 1123-1143): AREAEGKEEG[Ala1133Gly]PDGETSDGSG